The following is an entry in ClinVar:

NM_000717.5(CA4):c.435A>G (p.Lys145=)

Gene: CA4 (carbonic anhydrase 4; plus strand). Cytogenetic location: 17q23.1.
Variant type: single nucleotide variant.
Coding change: c.435A>G on transcript NM_000717.5 (MANE Select); coding-DNA position 435, A replaced by G.
Protein change: p.Lys145=; no amino-acid change (lysine 145 retained).
Molecular consequence: synonymous variant. On other transcripts: non-coding transcript variant (1).
Genome position (GRCh38, 1-based): chr17:60,157,710, A>G. VCF-style: chr17-60157710-A-G. GRCh37 (hg19) VCF-style: chr17-58235071-A-G.
Identifiers: ClinVar variation 891580 (VCV000891580.13), dbSNP rs201241903, ClinGen allele CA8685362.

ClinVar aggregate classification (germline): Benign/Likely benign. Review status: criteria provided, multiple submitters, no conflicts (2 of 4 stars). 4 submissions from 4 submitters: Benign (2); Likely benign (2). Last evaluated 2025-04-15.

Conditions:
Retinal dystrophy. Also called: Inherited retinal dystrophy. Identifiers: Orphanet 71862, MedGen C0854723, MeSH D058499, MONDO:0019118, HP:0000556.
Retinitis pigmentosa (RP). Identifiers: Orphanet 791, MedGen C0035334, MeSH D012174, MONDO:0019200, OMIM 268000. Inheritance: Autosomal dominant, autosomal recessive and X linked inheritance.

Allele frequency attached by ClinVar (database versions not stated): gnomAD exomes 0.00005 and 0.00017; gnomAD 0.00012 and 0.00013; TOPMed 0.00012; ExAC 0.00018; 1000 Genomes Project 0.00020; 1000 Genomes Project 30x 0.00031.
gnomAD v4.1: 86 of 1,614,080 alleles (0.0053%); highest among the groups gnomAD compares: East Asian, 0.19%; no homozygotes.

Submissions (4):

Labcorp Genetics (formerly Invitae), Labcorp
Classification: Benign. Last evaluated: 2025-04-15. Review status: criteria provided, single submitter. Criteria: Invitae Variant Classification Sherloc (09022015). Collection method: clinical testing. Allele origin: germline.

Dept Of Ophthalmology, Nagoya University
Classification: Benign for Retinal dystrophy. Last evaluated: 2023-10-01. Review status: criteria provided, single submitter. Criteria: Submitter's publication. Collection method: research. Allele origin: germline. Affected: yes.

Blueprint Genetics
Classification: Likely benign. Last evaluated: 2023-01-23. Review status: criteria provided, single submitter. Criteria: ACMG Guidelines, 2015. Collection method: clinical testing. Allele origin: germline.

Illumina Laboratory Services, Illumina
Classification: Likely benign for Retinitis pigmentosa. Last evaluated: 2018-01-13. Review status: criteria provided, single submitter. Criteria: ICSL Variant Classification Criteria 13 December 2019. Collection method: clinical testing. Allele origin: germline.
Comment: This variant was observed in the ICSL laboratory as part of a predisposition screen in an ostensibly healthy population. It had not been previously curated by ICSL or reported in the Human Gene Mutation Database (HGMD: prior to June 1st, 2018), and was therefore a candidate for classification through an automated scoring system. Utilizing variant allele frequency, disease prevalence and penetrance estimates, and inheritance mode, an automated score was calculated to assess if this variant is too frequent to cause the disease. Based on the score and internal cut-off values, a variant classified as likely benign is not then subjected to further curation. The score for this variant resulted in a classification of likely benign for this disease.